The following is an entry in ClinVar:

NM_017827.4(SARS2):c.1347G>A (p.Thr449=)

Gene: SARS2 (seryl-tRNA synthetase 2, mitochondrial; minus strand). Cytogenetic location: 19q13.2.
Variant type: single nucleotide variant.
Coding change: c.1347G>A on transcript NM_017827.4 (MANE Select); coding-DNA position 1347, G replaced by A.
Protein change: p.Thr449=; no amino-acid change (threonine 449 retained).
Molecular consequence: synonymous variant.
Genome position (GRCh38, 1-based): chr19:38,916,037, C>T on the plus strand (G>A on the coding strand, the complement: SARS2 is on the minus strand). VCF-style: chr19-38916037-C-T. GRCh37 (hg19) VCF-style: chr19-39406677-C-T.
Other names: c.1353G>A, p.Thr451= (NM_001145901.2).
Identifiers: ClinVar variation 638611 (VCV000638611.13), dbSNP rs200404654, ClinGen allele CA9422774.

ClinVar aggregate classification (germline): Conflicting classifications of pathogenicity. Review status: criteria provided, conflicting classifications (1 of 4 stars). 4 submissions from 4 submitters: Likely pathogenic (3); Uncertain significance (1). Last evaluated 2022-08-10.

Conditions:
Hyperuricemia, pulmonary hypertension, renal failure, alkalosis syndrome (HUPRAS). Also called: HYPERURICEMIA, PULMONARY HYPERTENSION, RENAL FAILURE, AND ALKALOSIS SYNDROME; HUPRA SYNDROME. Identifiers: Orphanet 363694, MedGen C3151209, MONDO:0013458, OMIM 613845.
SARS2-associated condition.

Allele frequency attached by ClinVar (database versions not stated): ExAC 0.00001; gnomAD exomes 0.00001; TOPMed 0.00003; gnomAD 0.00004 and 0.00005; 1000 Genomes Project 30x 0.00016; 1000 Genomes Project 0.00020.
gnomAD v4.1: 28 of 1,613,470 alleles (0.0017%); highest among the groups gnomAD compares: Admixed American, 0.0067%; no homozygotes.

Submissions (4):

Labcorp Genetics (formerly Invitae), Labcorp
Classification: Uncertain significance. Last evaluated: 2022-08-10. Review status: criteria provided, single submitter. Criteria: Invitae Variant Classification Sherloc (09022015). Collection method: clinical testing. Allele origin: germline.
Comment: In summary, the available evidence is currently insufficient to determine the role of this variant in disease. Therefore, it has been classified as a Variant of Uncertain Significance. Variants that disrupt the consensus splice site are a relatively common cause of aberrant splicing (PMID: 17576681, 9536098). Studies have shown that this variant results in retention of intron 14 and introduces a new termination codon (PMID: 27279129, 31607746). However the mRNA is not expected to undergo nonsense-mediated decay. ClinVar contains an entry for this variant (Variation ID: 638611). This variant is also known as c.1353G>A (p.Thr451=). This variant has been observed in individuals with progressive spastic paresis (PMID: 27279129, 31607746). It has also been observed to segregate with disease in related individuals. This variant is present in population databases (rs200404654, gnomAD 0.005%). This sequence change affects codon 449 of the SARS2 mRNA. It is a 'silent' change, meaning that it does not change the encoded amino acid sequence of the SARS2 protein. RNA analysis indicates that this variant induces altered splicing and likely disrupts the C-terminus of the protein.

Revvity Omics, Revvity
Classification: Likely pathogenic for Hyperuricemia, pulmonary hypertension, renal failure, alkalosis syndrome. Last evaluated: 2022-03-22. Review status: criteria provided, single submitter. Criteria: ACMG Guidelines, 2015. Collection method: clinical testing. Allele origin: germline.

AiLife Diagnostics
Classification: Likely pathogenic. Last evaluated: 2021-06-16. Review status: criteria provided, single submitter. Criteria: ACMG Guidelines, 2015. Collection method: clinical testing. Allele origin: germline. Affected: yes. Observed: 1 variant allele.

Undiagnosed Diseases Network, NIH
Classification: Likely pathogenic for SARS2-associated condition. Last evaluated: 2019-07-30. Review status: criteria provided, single submitter. Criteria: ACMG Guidelines, 2015. Collection method: clinical testing. Allele origin: paternal. Inheritance: Autosomal recessive inheritance. Affected: yes. Observed: 2 variant alleles, 2 compound heterozygotes. Clinical features observed: Tapered finger (HP:0001182), Strabismus (HP:0000486), Spastic tetraparesis (HP:0001285), Severe global developmental delay (HP:0011344), Prominent fingertip pads (HP:0001212), Postnatal microcephaly (HP:0005484), Nevus (HP:0003764), Muscular hypotonia (HP:0001252), Microcephaly (HP:0000252), Melanocytic nevus (HP:0000995), Maternal diabetes (HP:0009800), Inability to walk by childhood/adolescence (HP:0006915), and 18 more. Study: Undiagnosed Diseases Network (NIH), UDN.

Literature cited by the submitters: PubMed 17576681 (cited by Labcorp Genetics (formerly Invitae), Labcorp); PubMed 9536098 (cited by Labcorp Genetics (formerly Invitae), Labcorp); PubMed 27279129 (cited by Labcorp Genetics (formerly Invitae), Labcorp and AiLife Diagnostics); PubMed 31607746 (cited by Labcorp Genetics (formerly Invitae), Labcorp and AiLife Diagnostics).